The following is an entry in ClinVar:

NM_030632.3(ASXL3):c.1339G>A (p.Glu447Lys)

Gene: ASXL3 (ASXL transcriptional regulator 3; plus strand). Cytogenetic location: 18q12.1.
Variant type: single nucleotide variant.
Coding change: c.1339G>A on transcript NM_030632.3 (MANE Select); coding-DNA position 1339, G replaced by A.
Protein change: p.Glu447Lys; replaces glutamic acid 447 with lysine.
Molecular consequence: missense variant.
Genome position (GRCh38, 1-based): chr18:33,738,743, G>A. VCF-style: chr18-33738743-G-A. GRCh37 (hg19) VCF-style: chr18-31318707-G-A.
Other names: short protein forms E447K.
Identifiers: ClinVar variation 3369795 (VCV003369795.1).
Genomic context (GRCh38, chr18:33,738,743, plus strand): 5'-GAAATTCCACCTAAAGATATAATGGCAGAATTGGAGTCAGAGGATATCTTGATCCCTGAA[G>A]AATCTGTAATTCAGGAGGAAATTGCAGAAGAGGTAGAGACTAGTATCTGTGAATGCCAGG-3'
Protein context (NP_085135.1, residues 437-457): LESEDILIPE[Glu447Lys]SVIQEEIAEE

ClinVar aggregate classification (germline): Uncertain significance (1 of 4 stars; one submission).

gnomAD v4.1: 1 of 1,613,956 alleles (0.000062%); highest among the groups gnomAD compares: Non-Finnish European, 0.000085%; no homozygotes.

Submission:

GeneDx
Classification: Uncertain significance. Last evaluated: 2024-03-04. Review status: criteria provided, single submitter. Criteria: GeneDx Variant Classification Process June 2021. Collection method: clinical testing. Allele origin: germline. Affected: yes.
Comment: Not observed at significant frequency in large population cohorts (gnomAD); In silico analysis supports that this missense variant does not alter protein structure/function; Has not been previously published as pathogenic or benign to our knowledge